The following is an entry in ClinVar:

NC_000005.10:g.(?_112707312)_(112844136_?)dup

Gene: APC (APC regulator of Wnt signaling pathway; plus strand). Cytogenetic location: 5q22.2.
Variant type: Duplication.
Identifiers: ClinVar variation 831552 (VCV000831552.3).

ClinVar aggregate classification (germline): Uncertain significance (1 of 4 stars; one submission).

Conditions:
Familial adenomatous polyposis 1 (FAP1). Also called: POLYPOSIS, ADENOMATOUS INTESTINAL; FAMILIAL ADENOMATOUS POLYPOSIS 1, ATTENUATED. Identifiers: MedGen C2713442, MONDO:0021056, OMIM 175100. Disease mechanism: loss of function.

Submission:

Labcorp Genetics (formerly Invitae), Labcorp
Classification: Uncertain significance for Familial adenomatous polyposis 1. Last evaluated: 2019-06-12. Review status: criteria provided, single submitter. Criteria: Invitae Variant Classification Sherloc (09022015). Collection method: clinical testing. Allele origin: germline.
Comment: This variant results in a copy number gain of the genomic region encompassing the full coding sequence of the APC gene. The boundaries of this event are unknown as they extend beyond the assayed region for this gene and therefore may encompass additional genes. As the precise location of this event is unknown, it may be in tandem or it may be located elsewhere in the genome. This variant has not been reported in the literature in individuals with APC-related conditions. In summary, the available evidence is currently insufficient to determine the role of this variant in disease. Therefore, it has been classified as a Variant of Uncertain Significance.